The following is an entry in ClinVar:

ClinVar aggregate classification (germline): Benign (1 of 4 stars; one submission).

Submission:

GeneDx
Classification: Benign. Last evaluated: 2018-11-10. Review status: criteria provided, single submitter. Criteria: GeneDx Variant Classification Process June 2021. Collection method: clinical testing. Allele origin: germline. Affected: yes.
Comment: This variant is associated with the following publications: (PMID: 30266500)

NM_199168.4(CXCL12):c.*87_*88dup

Gene: CXCL12 (C-X-C motif chemokine ligand 12; minus strand). Cytogenetic location: 10q11.21.
Variant type: Duplication.
Coding change: c.*87_*88dup on transcript NM_199168.4 (MANE Select); 87 bases downstream of the stop codon through 88 bases downstream of the stop codon, 2 bases duplicated (AG; older notation c.*87_*88dupAG).
Molecular consequence: 3 prime UTR variant. On other transcripts: intron variant (4).
Genome position (GRCh38, 1-based): chr10:44,378,545-44,378,546, CT duplicated on the plus strand (AG on the coding strand, the reverse complement: CXCL12 is on the minus strand); duplicating any 2 consecutive bases within chr10:44,378,545-44,378,547 gives the same sequence; the c. name uses the placement nearest the transcript's 3' end. VCF-style (leftmost placement, unchanged base first): chr10-44378544-C-CCT. GRCh37 (hg19) VCF-style: chr10-44873992-C-CCT.
Other names: c.109+2287_109+2288dup (NM_001277990.2); c.266+91_266+92dup (NM_000609.7, NM_001033886.2, NM_001178134.2).
Identifiers: ClinVar variation 1274726 (VCV001274726.1), dbSNP rs2839694, ClinGen allele CA206324632.
Genomic context (GRCh38, chr10:44,378,544, plus strand): 5'-CCCGATCCCAGATCAATGTGCCCACCCCACACACACACCTGGTCCTCATGGTTAAGGCCC[C>CCT]CTCCCCCACGTCTTTGCCCTTTCATCTCTCACAAGGTTTTAGTTTTCCTCGAGTGGGTCT-3'